The following is an entry in ClinVar:

ClinVar aggregate classification (germline): Conflicting classifications of pathogenicity. Review status: criteria provided, conflicting classifications (1 of 4 stars). 2 submissions from 2 submitters: Uncertain significance (1); Likely benign (1). Last evaluated 2025-08-06.

Conditions:
Cardiovascular phenotype. Identifiers: MedGen CN230736.
Long QT syndrome (LQTS). Identifiers: MedGen C0023976, MeSH D008133, MONDO:0002442. Disease mechanism: loss of function. Inheritance: Various modes of inheritance.

Allele frequency attached by ClinVar (database versions not stated): gnomAD 0.00002.
gnomAD v4.1: 28 of 1,552,262 alleles (0.0018%); highest among the groups gnomAD compares: Non-Finnish European, 0.0025%; no homozygotes.

Submissions (2):

Labcorp Genetics (formerly Invitae), Labcorp
Classification: Uncertain significance for Long QT syndrome. Last evaluated: 2025-08-06. Review status: criteria provided, single submitter. Criteria: Invitae Variant Classification Sherloc (09022015). Collection method: clinical testing. Allele origin: germline.
Comment: This sequence change affects codon 1304 of the CACNA1C mRNA. It is a 'silent' change, meaning that it does not change the encoded amino acid sequence of the CACNA1C protein. It affects a nucleotide within the consensus splice site. This variant is not present in population databases (gnomAD no frequency). This variant has not been reported in the literature in individuals affected with CACNA1C-related conditions. ClinVar contains an entry for this variant (Variation ID: 1061648). Algorithms developed to predict the effect of sequence changes on RNA splicing suggest that this variant may create or strengthen a splice site. In summary, the available evidence is currently insufficient to determine the role of this variant in disease. Therefore, it has been classified as a Variant of Uncertain Significance.

Ambry Genetics
Classification: Likely benign for Cardiovascular phenotype. Last evaluated: 2019-07-19. Review status: criteria provided, single submitter. Criteria: Ambry Variant Classification Scheme 2023. Collection method: clinical testing. Allele origin: germline.

NM_000719.7(CACNA1C):c.3912C>T (p.Asn1304=)

Gene: CACNA1C (calcium voltage-gated channel subunit alpha1 C; plus strand). Cytogenetic location: 12p13.33.
Variant type: single nucleotide variant.
Coding change: c.3912C>T on transcript NM_000719.7 (MANE Select); coding-DNA position 3912, C replaced by T.
Protein change: p.Asn1304=; no amino-acid change (asparagine 1304 retained).
Molecular consequence: synonymous variant. On other transcripts: intron variant (7).
Genome position (GRCh38, 1-based): chr12:2,634,380, C>T. VCF-style: chr12-2634380-C-T. GRCh37 (hg19) VCF-style: chr12-2743546-C-T.
Other names: c.4056C>T, p.Asn1352= (NM_001129827.2, NM_199460.4); c.3912C>T, p.Asn1304= (NM_001129829.2, NM_001129830.3, NM_001129834.2 and 7 more transcripts); c.3996C>T, p.Asn1332= (NM_001129831.2, NM_001129836.2); c.3972C>T, p.Asn1324= (NM_001129832.2); c.3912+668C>T (NM_001167624.3, NM_001167623.2, NM_001129833.2 and 2 more transcripts); c.3906+6C>T (NM_001129839.2); c.3903+668C>T (NM_001129844.2).
Identifiers: ClinVar variation 1061648 (VCV001061648.8), dbSNP rs1221384071, ClinGen allele CA477910665.